The following is an entry in ClinVar:

NM_000540.3(RYR1):c.13369A>T (p.Met4457Leu)

Gene: RYR1 (ryanodine receptor 1; plus strand). Cytogenetic location: 19q13.2.
Variant type: single nucleotide variant.
Coding change: c.13369A>T on transcript NM_000540.3 (MANE Select); coding-DNA position 13369, A replaced by T.
Protein change: p.Met4457Leu; replaces methionine 4457 with leucine.
Molecular consequence: missense variant.
Genome position (GRCh38, 1-based): chr19:38,565,703, A>T. VCF-style: chr19-38565703-A-T. GRCh37 (hg19) VCF-style: chr19-39056343-A-T.
Other names: c.13354A>T, p.Met4452Leu (NM_001042723.2); short protein forms M4457L, M4452L.
Identifiers: ClinVar variation 287319 (VCV000287319.22), dbSNP rs867851900, ClinGen allele CA10605744.

ClinVar aggregate classification (germline): Conflicting classifications of pathogenicity. Review status: criteria provided, conflicting classifications (1 of 4 stars). 5 submissions from 5 submitters: Uncertain significance (3); Likely benign (2). Last evaluated 2026-01-07.

Conditions:
RYR1-related disorder. Also called: RYR1-related condition; RYR1-related disorders. Identifiers: MedGen CN239331.

Allele frequency attached by ClinVar (database versions not stated): gnomAD 0.00003; TOPMed 0.00005; gnomAD exomes 0.00007.
gnomAD v4.1: 80 of 1,422,910 alleles (0.0056%); highest among the groups gnomAD compares: Middle Eastern, 0.25%; 1 homozygote.

Submissions (5):

PreventionGenetics, part of Exact Sciences
Classification: Uncertain significance for RYR1-related condition. Last evaluated: 2026-01-07. Review status: criteria provided, single submitter. Criteria: ACMG Guidelines, 2015. Collection method: clinical testing. Allele origin: germline.
Comment: The RYR1 c.13369A>T variant is predicted to result in the amino acid substitution p.Met4457Leu. This variant was reported in the heterozygous state in an individual with RYR1-related disorder (Kushnir et al. 2020. PubMed ID: 32236737). At PreventionGenetics, this variant has been observed in individuals tested for RYR1-related and non-related indications. This variant is reported in 0.025% of alleles in individuals of South Asian descent in gnomAD, including one homozygote. This variant has conflicting classifications listed in ClinVar ranging from likely benign to uncertain (ClinVar ID: 287319). At this time, the clinical significance of this variant is uncertain due to the absence of conclusive functional and genetic evidence.

Labcorp Genetics (formerly Invitae), Labcorp
Classification: Likely benign for RYR1-related disorder. Last evaluated: 2025-11-01. Review status: criteria provided, single submitter. Criteria: Invitae Variant Classification Sherloc (09022015). Collection method: clinical testing. Allele origin: germline.

Blueprint Genetics
Classification: Likely benign. Last evaluated: 2024-02-15. Review status: criteria provided, single submitter. Criteria: ACMG Guidelines, 2015. Collection method: clinical testing. Allele origin: germline.

GeneDx
Classification: Uncertain significance. Last evaluated: 2021-04-08. Review status: criteria provided, single submitter. Criteria: GeneDx Variant Classification Process June 2021. Collection method: clinical testing. Allele origin: germline. Affected: yes.
Comment: In silico analysis supports that this missense variant does not alter protein structure/function; Has not been previously published as pathogenic or benign to our knowledge

Eurofins Ntd Llc (ga)
Classification: Uncertain significance. Last evaluated: 2016-04-28. Review status: criteria provided, single submitter. Criteria: EGL Classification Definitions 2015. Collection method: clinical testing. Allele origin: germline. Observed: 1 variant allele, 1 homozygote.